The following is an entry in ClinVar:

NM_000138.5(FBN1):c.640G>T (p.Gly214Cys)

Gene: FBN1 (fibrillin 1; minus strand). Cytogenetic location: 15q21.1.
Variant type: single nucleotide variant.
Coding change: c.640G>T on transcript NM_000138.5 (MANE Select); coding-DNA position 640, G replaced by T.
Protein change: p.Gly214Cys; replaces glycine 214 with cysteine.
Molecular consequence: missense variant.
Genome position (GRCh38, 1-based): chr15:48,537,707, C>A on the plus strand (G>T on the coding strand, the complement: FBN1 is on the minus strand). VCF-style: chr15-48537707-C-A. GRCh37 (hg19) VCF-style: chr15-48829904-C-A.
Other names: c.640G>T, p.Gly214Cys (NM_001406716.1, NM_001406717.1); short protein forms G214C.
Identifiers: ClinVar variation 3386865 (VCV003386865.1).

ClinVar aggregate classification (germline): Uncertain significance (1 of 4 stars; one submission).

Conditions:
Marfan syndrome (MFS). Also called: MARFAN SYNDROME, TYPE I; Marfan syndrome type 1; Marfan's syndrome; FBN1-Related Marfan Syndrome; Marfan syndrome, classic. Identifiers: Orphanet 284963, Orphanet 558, MedGen C0024796, MONDO:0007947, OMIM 154700.

Submission:

All of Us Research Program, National Institutes of Health
Classification: Uncertain significance for Marfan syndrome. Last evaluated: 2024-03-05. Review status: criteria provided, single submitter. Criteria: ACMG Guidelines, 2015. Collection method: clinical testing. Allele origin: germline. Inheritance: Autosomal dominant inheritance. Observed: 1 variant allele, 1 heterozygote.
Comment: This study involves interpretation of variants in research participants for the purpose of population health screening. Participant phenotype was not available at the time of variant classification. Additional details can be found in publication PMID: 35346344, PMCID: PMC8962531